The following is an entry in ClinVar:

NM_001375524.1(TRRAP):c.9386A>G (p.Asn3129Ser)

Gene: TRRAP (transformation/transcription domain associated protein; plus strand). Cytogenetic location: 7q22.1.
Variant type: single nucleotide variant.
Coding change: c.9386A>G on transcript NM_001375524.1 (MANE Select); coding-DNA position 9386, A replaced by G.
Protein change: p.Asn3129Ser; replaces asparagine 3129 with serine.
Molecular consequence: missense variant.
Genome position (GRCh38, 1-based): chr7:98,985,041, A>G. VCF-style: chr7-98985041-A-G. GRCh37 (hg19) VCF-style: chr7-98582664-A-G.
Other names: c.9398A>G, p.Asn3133Ser (NM_001244580.2); c.9311A>G, p.Asn3104Ser (NM_003496.4); short protein forms N3104S, N3129S, N3133S.
Identifiers: ClinVar variation 3353312 (VCV003353312.1).

ClinVar aggregate classification (germline): Uncertain significance (0 of 4 stars; one submission).

Conditions:
TRRAP-related disorder. Also called: TRRAP-related condition.

Submission:

PreventionGenetics, part of Exact Sciences
Classification: Uncertain significance for TRRAP-related condition. Last evaluated: 2024-04-20. Review status: no assertion criteria provided. Collection method: clinical testing. Allele origin: germline.
Comment: The TRRAP c.9311A>G variant is predicted to result in the amino acid substitution p.Asn3104Ser. To our knowledge, this variant has not been reported in the literature or in a large population database, indicating this variant is rare. At this time, the clinical significance of this variant is uncertain due to the absence of conclusive functional and genetic evidence.